The following is an entry in ClinVar:

ClinVar aggregate classification (germline): Pathogenic. Review status: criteria provided, multiple submitters, no conflicts (2 of 4 stars). 2 submissions from 2 submitters: Pathogenic (2). Last evaluated 2024-03-31.

Conditions:
Retinitis pigmentosa 39 (RP39). Identifiers: Orphanet 791, MedGen C3151138, MONDO:0013436, OMIM 613809.
Usher syndrome type 2A. Also called: USHER SYNDROME, TYPE IIA; RETINAL DISEASE IN USHER SYNDROME TYPE IIA, MODIFIER OF. Identifiers: Orphanet 231178, Orphanet 886, MedGen C1848634, MONDO:0010169, OMIM 276901.

Allele frequency attached by ClinVar (database versions not stated): gnomAD exomes below 0.00001.
gnomAD v4.1: 4 of 1,613,330 alleles (0.00025%); highest among the groups gnomAD compares: Non-Finnish European, 0.00034%; no homozygotes.

Submissions (2):

Fulgent Genetics
Classification: Pathogenic for Usher syndrome type 2A; Retinitis pigmentosa 39. Last evaluated: 2024-03-31. Review status: criteria provided, single submitter. Criteria: ACMG Guidelines, 2015. Collection method: clinical testing. Allele origin: germline.

Labcorp Genetics (formerly Invitae), Labcorp
Classification: Pathogenic. Last evaluated: 2023-03-03. Review status: criteria provided, single submitter. Criteria: Invitae Variant Classification Sherloc (09022015). Collection method: clinical testing. Allele origin: germline.
Comment: This variant is not present in population databases (gnomAD no frequency). This sequence change creates a premature translational stop signal (p.Trp4725*) in the USH2A gene. It is expected to result in an absent or disrupted protein product. Loss-of-function variants in USH2A are known to be pathogenic (PMID: 10729113, 10909849, 20507924, 25649381). This premature translational stop signal has been observed in individual(s) with inherited retinal dystrophy and Usher syndrome (PMID: 26927203, 32037395, 33576794). ClinVar contains an entry for this variant (Variation ID: 2202936). Algorithms developed to predict the effect of sequence changes on RNA splicing suggest that this variant may disrupt the consensus splice site. For these reasons, this variant has been classified as Pathogenic.

Literature cited by the submitters: PubMed 10729113 (cited by Labcorp Genetics (formerly Invitae), Labcorp); PubMed 10909849 (cited by Labcorp Genetics (formerly Invitae), Labcorp); PubMed 20507924 (cited by Labcorp Genetics (formerly Invitae), Labcorp); PubMed 25649381 (cited by Labcorp Genetics (formerly Invitae), Labcorp); PubMed 26927203 (cited by Labcorp Genetics (formerly Invitae), Labcorp); PubMed 32037395 (cited by Labcorp Genetics (formerly Invitae), Labcorp); PubMed 33576794 (cited by Labcorp Genetics (formerly Invitae), Labcorp).

NM_206933.4(USH2A):c.14174G>A (p.Trp4725Ter)

Gene: USH2A (usherin; minus strand). Cytogenetic location: 1q41.
Variant type: single nucleotide variant.
Coding change: c.14174G>A on transcript NM_206933.4 (MANE Select); coding-DNA position 14174, G replaced by A.
Protein change: p.Trp4725Ter; replaces tryptophan 4725 with a stop codon.
Molecular consequence: nonsense.
Genome position (GRCh38, 1-based): chr1:215,650,761, C>T on the plus strand (G>A on the coding strand, the complement: USH2A is on the minus strand). VCF-style: chr1-215650761-C-T. GRCh37 (hg19) VCF-style: chr1-215824103-C-T.
Other names: short protein forms W4725*.
Identifiers: ClinVar variation 2202936 (VCV002202936.5), dbSNP rs2464821210, ClinGen allele CA344835905.